The following is an entry in ClinVar:

NM_001370298.3(FGD4):c.994C>T (p.Gln332Ter)

Gene: FGD4 (FYVE, RhoGEF and PH domain containing 4; plus strand). Cytogenetic location: 12p11.21.
Variant type: single nucleotide variant.
Coding change: c.994C>T on transcript NM_001370298.3 (MANE Select); coding-DNA position 994, C replaced by T.
Protein change: p.Gln332Ter; replaces glutamine 332 with a stop codon.
Molecular consequence: nonsense. On other transcripts: 5 prime UTR variant (2), non-coding transcript variant (1), intron variant (1).
Genome position (GRCh38, 1-based): chr12:32,582,450, C>T. VCF-style: chr12-32582450-C-T. GRCh37 (hg19) VCF-style: chr12-32735384-C-T.
Other names: c.838C>T, p.Gln280Ter (NM_001304481.2); c.-262C>T (NM_001304483.2); c.-569C>T (NM_001304484.2); c.304C>T, p.Gln102Ter (NM_001330373.2, NM_001330374.2, NM_001384130.1); c.994C>T, p.Gln332Ter (NM_001384126.1); c.583C>T, p.Gln195Ter (NM_001384127.1, NM_001384128.1, NM_001384131.1 and 3 more transcripts); c.49-16047C>T (NM_001370297.1); short protein forms Q280*, Q102*, Q195*, Q332*.
Identifiers: ClinVar variation 2102422 (VCV002102422.4), dbSNP rs2540549360, ClinGen allele CA384356567.
Genomic context (GRCh38, chr12:32,582,450, plus strand): 5'-GAAACCAAGGTACAAGAGAGGGAAAATGGGGAAAGCCCTCTGGAACTGGAGCAGCTGGAC[C>T]AGCACCATGAGATGAAGGTAGAGCATGAGACTAGCTCATGAGCAGGGAAAACCCTGCCTA-3'

ClinVar aggregate classification (germline): Pathogenic (1 of 4 stars; one submission).

Conditions:
Charcot-Marie-Tooth disease type 4. Also called: Charcot-Marie-Tooth disease, type IV; Charcot-Marie-Tooth, Type 4. Identifiers: Orphanet 64749, MedGen C4082197, MONDO:0018995.

Submission:

Labcorp Genetics (formerly Invitae), Labcorp
Classification: Pathogenic for Charcot-Marie-Tooth disease type 4. Last evaluated: 2023-09-15. Review status: criteria provided, single submitter. Criteria: Invitae Variant Classification Sherloc (09022015). Collection method: clinical testing. Allele origin: germline.
Comment: This variant is not present in population databases (gnomAD no frequency). This sequence change creates a premature translational stop signal (p.Gln195*) in the FGD4 gene. It is expected to result in an absent or disrupted protein product. Loss-of-function variants in FGD4 are known to be pathogenic (PMID: 17564972). This variant has not been reported in the literature in individuals affected with FGD4-related conditions. ClinVar contains an entry for this variant (Variation ID: 2102422). Algorithms developed to predict the effect of sequence changes on RNA splicing suggest that this variant may disrupt the consensus splice site. For these reasons, this variant has been classified as Pathogenic.

Literature cited by the submitters: PubMed 17564972.